The following is an entry in ClinVar:

NM_001386140.1(MTTP):c.1731C>T (p.Ala577=)

Gene: MTTP (microsomal triglyceride transfer protein; plus strand). Cytogenetic location: 4q23.
Variant type: single nucleotide variant.
Coding change: c.1731C>T on transcript NM_001386140.1 (MANE Select); coding-DNA position 1731, C replaced by T.
Protein change: p.Ala577=; no amino-acid change (alanine 577 retained).
Molecular consequence: synonymous variant.
Genome position (GRCh38, 1-based): chr4:99,608,939, C>T. VCF-style: chr4-99608939-C-T. GRCh37 (hg19) VCF-style: chr4-100530096-C-T.
Other names: p.Ala577=; c.1731C>T, p.Ala577= (NM_000253.4); c.1482C>T, p.Ala494= (NM_001300785.2); c.1731C>T (NM_000253.2).
Identifiers: ClinVar variation 284227 (VCV000284227.23), dbSNP rs112506924, ClinGen allele CA3022164.

ClinVar aggregate classification (germline): Benign/Likely benign. Review status: criteria provided, multiple submitters, no conflicts (2 of 4 stars). 9 submissions from 9 submitters: Benign (3); Likely benign (3). 3 of the submissions do not count toward it. Last evaluated 2026-02-02.

Conditions:
Abetalipoproteinaemia (ABL). Also called: Abetalipoproteinemia; Abetalipoproteinemia neuropathy; Apolipoprotein B deficiency; Congenital betalipoprotein deficiency syndrome; MTP DEFICIENCY. Identifiers: Orphanet 14, MedGen C0000744, MONDO:0008692, OMIM 200100, HP:0008181.

Allele frequency attached by ClinVar (database versions not stated): gnomAD 0.00268 and 0.00290; TOPMed 0.00294; ESP Exome Variant Server 0.00308; 1000 Genomes Project 0.00359; 1000 Genomes Project 30x 0.00359; gnomAD exomes 0.00023 and 0.00063; ExAC 0.00069.
gnomAD v4.1: 753 of 1,614,104 alleles (0.047%); highest among the groups gnomAD compares: African/African-American, 0.92%; 4 homozygotes.

Submissions (9):

Labcorp Genetics (formerly Invitae), Labcorp
Classification: Benign. Last evaluated: 2026-02-02. Review status: criteria provided, single submitter. Criteria: Invitae Variant Classification Sherloc (09022015). Collection method: clinical testing. Allele origin: germline.

Mayo Clinic Laboratories, Mayo Clinic
Classification: Benign. Last evaluated: 2025-04-22. Review status: criteria provided, single submitter. Criteria: ACMG Guidelines, 2015. Collection method: clinical testing. Allele origin: germline. Observed: 7 variant alleles.
Comment: BS1, BS2, BP4, BP7

Blueprint Genetics
Classification: Likely benign. Last evaluated: 2024-11-25. Review status: criteria provided, single submitter. Criteria: ACMG Guidelines, 2015. Collection method: clinical testing. Allele origin: germline.

GeneDx
Classification: Likely benign. Last evaluated: 2020-10-01. Review status: criteria provided, single submitter. Criteria: GeneDx Variant Classification Process June 2021. Collection method: clinical testing. Allele origin: germline. Affected: yes.

Eurofins Ntd Llc (ga)
Classification: Benign. Last evaluated: 2015-11-18. Review status: criteria provided, single submitter. Criteria: EGL Classification Definitions 2015. Collection method: clinical testing. Allele origin: germline. Observed: 1 variant allele, 1 heterozygote.

Breakthrough Genomics
Classification: Likely benign. Review status: criteria provided, single submitter. Criteria: ACMG Guidelines, 2015. Collection method: not provided. Allele origin: germline. Inheritance: Autosomal recessive inheritance. Affected: yes.

Natera, Inc.
Classification: Benign for Abetalipoproteinemia. Last evaluated: 2020-09-16. Review status: no assertion criteria provided. Collection method: clinical testing. Allele origin: germline. Not counted in ClinVar's aggregate classification.

Clinical Genetics DNA and cytogenetics Diagnostics Lab, Erasmus MC, Erasmus Medical Center
Classification: Likely benign. Review status: no assertion criteria provided. Collection method: clinical testing. Allele origin: germline. Affected: yes. Study: VKGL Data-share Consensus. Not counted in ClinVar's aggregate classification.

Clinical Genetics, Academic Medical Center
Classification: Likely benign. Review status: no assertion criteria provided. Collection method: clinical testing. Allele origin: germline. Affected: yes. Study: VKGL Data-share Consensus. Not counted in ClinVar's aggregate classification.